The following is an entry in ClinVar:

ClinVar aggregate classification (germline): Pathogenic (1 of 4 stars; one submission).

Submission:

Labcorp Genetics (formerly Invitae), Labcorp
Classification: Pathogenic. Last evaluated: 2023-09-08. Review status: criteria provided, single submitter. Criteria: Invitae Variant Classification Sherloc (09022015). Collection method: clinical testing. Allele origin: germline.
Comment: For these reasons, this variant has been classified as Pathogenic. This variant has not been reported in the literature in individuals affected with LAMA1-related conditions. This variant is not present in population databases (gnomAD no frequency). This sequence change creates a premature translational stop signal (p.Tyr151*) in the LAMA1 gene. It is expected to result in an absent or disrupted protein product. Loss-of-function variants in LAMA1 are known to be pathogenic (PMID: 25105227, 26932191).

Literature cited by the submitters: PubMed 25105227; PubMed 26932191.

NM_005559.4(LAMA1):c.453T>G (p.Tyr151Ter)

Gene: LAMA1 (laminin subunit alpha 1; minus strand). Cytogenetic location: 18p11.31.
Variant type: single nucleotide variant.
Coding change: c.453T>G on transcript NM_005559.4 (MANE Select); coding-DNA position 453, T replaced by G.
Protein change: p.Tyr151Ter; replaces tyrosine 151 with a stop codon.
Molecular consequence: nonsense.
Genome position (GRCh38, 1-based): chr18:7,050,829, A>C on the plus strand (T>G on the coding strand, the complement: LAMA1 is on the minus strand). VCF-style: chr18-7050829-A-C. GRCh37 (hg19) VCF-style: chr18-7050828-A-C.
Other names: short protein forms Y151*.
Identifiers: ClinVar variation 2732404 (VCV002732404.3), dbSNP rs2510096294, ClinGen allele CA401843193.